The following is an entry in ClinVar:

NM_001035.3(RYR2):c.7377G>A (p.Gly2459=)

Gene: RYR2 (ryanodine receptor 2; plus strand). Cytogenetic location: 1q43.
Variant type: single nucleotide variant.
Coding change: c.7377G>A on transcript NM_001035.3 (MANE Select); coding-DNA position 7377, G replaced by A.
Protein change: p.Gly2459=; no amino-acid change (glycine 2459 retained).
Molecular consequence: synonymous variant.
Genome position (GRCh38, 1-based): chr1:237,648,478, G>A. VCF-style: chr1-237648478-G-A. GRCh37 (hg19) VCF-style: chr1-237811778-G-A.
Other names: c.7377G>A, p.Gly2459= (LRG_402t1).
Identifiers: ClinVar variation 532410 (VCV000532410.11), dbSNP rs747614796, ClinGen allele CA423819695.

ClinVar aggregate classification (germline): Likely benign. Review status: criteria provided, multiple submitters, no conflicts (2 of 4 stars). 2 submissions from 2 submitters: Likely benign (2). Last evaluated 2025-11-22.

Conditions:
Catecholaminergic polymorphic ventricular tachycardia (CVPT). Also called: Catecholamine-induced polymorphic ventricular tachycardia. Identifiers: Orphanet 3286, MedGen C5574922, MONDO:0017990.
Catecholaminergic polymorphic ventricular tachycardia 1. Also called: VENTRICULAR TACHYCARDIA, CATECHOLAMINERGIC POLYMORPHIC, 1, WITH OR WITHOUT ATRIAL DYSFUNCTION AND/OR DILATED CARDIOMYOPATHY; RYR2-Related Catecholaminergic Polymorphic Ventricular Tachycardia; VENTRICULAR TACHYCARDIA, STRESS-INDUCED POLYMORPHIC 1. Identifiers: Orphanet 3286, MedGen C1631597, MONDO:0011484, OMIM 604772.

Allele frequency attached by ClinVar (database versions not stated): gnomAD 0.00001; TOPMed 0.00002.
gnomAD v4.1: 3 of 1,610,646 alleles (0.00019%); highest among the groups gnomAD compares: African/African-American, 0.0013%; no homozygotes.

Submissions (2):

Labcorp Genetics (formerly Invitae), Labcorp
Classification: Likely benign for Catecholaminergic polymorphic ventricular tachycardia 1. Last evaluated: 2025-11-22. Review status: criteria provided, single submitter. Criteria: Invitae Variant Classification Sherloc (09022015). Collection method: clinical testing. Allele origin: germline.

All of Us Research Program, National Institutes of Health
Classification: Likely benign for Catecholaminergic polymorphic ventricular tachycardia. Last evaluated: 2023-12-18. Review status: criteria provided, single submitter. Criteria: ACMG Guidelines, 2015. Collection method: clinical testing. Allele origin: germline. Inheritance: Autosomal dominant inheritance. Observed: 1 variant allele, 1 heterozygote.
Comment: This study involves interpretation of variants in research participants for the purpose of population health screening. Participant phenotype was not available at the time of variant classification. Additional details can be found in publication PMID: 35346344, PMCID: PMC8962531